The following is an entry in ClinVar:

ClinVar aggregate classification (germline): Uncertain significance (1 of 4 stars; one submission).

Conditions:
Autosomal recessive distal spinal muscular atrophy 2. Also called: NEUROPATHY, DISTAL HEREDITARY MOTOR, AUTOSOMAL RECESSIVE 2; NEURONOPATHY, DISTAL HEREDITARY MOTOR, JERASH TYPE; NEUROPATHY, DISTAL HEREDITARY MOTOR, JERASH TYPE; SPINAL MUSCULAR ATROPHY, JERASH TYPE; Hereditary motor neuropathy, Jerash type; Motor neuropathy, distal, Jerash type. Identifiers: Orphanet 139552, MedGen C1854023, MONDO:0011585, OMIM 605726.
Amyotrophic lateral sclerosis type 16. Also called: AMYOTROPHIC LATERAL SCLEROSIS 16, JUVENILE. Identifiers: Orphanet 300605, MedGen C3280587, MONDO:0013715, OMIM 614373.

Allele frequency attached by ClinVar (database versions not stated): ExAC 0.00002; gnomAD exomes 0.00002 and 0.00001.
gnomAD v4.1: 7 of 1,614,058 alleles (0.00043%); highest among the groups gnomAD compares: South Asian, 0.0033%; no homozygotes.

Submission:

Labcorp Genetics (formerly Invitae), Labcorp
Classification: Uncertain significance for Autosomal recessive distal spinal muscular atrophy 2; Amyotrophic lateral sclerosis type 16. Last evaluated: 2021-01-26. Review status: criteria provided, single submitter. Criteria: Invitae Variant Classification Sherloc (09022015). Collection method: clinical testing. Allele origin: germline.
Comment: This variant is present in population databases (rs780073328, ExAC 0.009%). This variant has not been reported in the literature in individuals with SIGMAR1-related conditions. This sequence change replaces arginine with tryptophan at codon 175 of the SIGMAR1 protein (p.Arg175Trp). The arginine residue is highly conserved and there is a moderate physicochemical difference between arginine and tryptophan. Algorithms developed to predict the effect of missense changes on protein structure and function (SIFT, PolyPhen-2, Align-GVGD) all suggest that this variant is likely to be disruptive, but these predictions have not been confirmed by published functional studies and their clinical significance is uncertain. In summary, the available evidence is currently insufficient to determine the role of this variant in disease. Therefore, it has been classified as a Variant of Uncertain Significance.

NM_005866.4(SIGMAR1):c.523C>T (p.Arg175Trp)

Gene: SIGMAR1 (sigma receptor chaperone 1; minus strand). Cytogenetic location: 9p13.3.
Variant type: single nucleotide variant.
Coding change: c.523C>T on transcript NM_005866.4 (MANE Select); coding-DNA position 523, C replaced by T.
Protein change: p.Arg175Trp; replaces arginine 175 with tryptophan.
Molecular consequence: missense variant. On other transcripts: 3 prime UTR variant (2), non-coding transcript variant (1), intron variant (1).
Genome position (GRCh38, 1-based): chr9:34,635,781, G>A on the plus strand (C>T on the coding strand, the complement: SIGMAR1 is on the minus strand). VCF-style: chr9-34635781-G-A. GRCh37 (hg19) VCF-style: chr9-34635778-G-A.
Other names: c.223C>T, p.Arg75Trp (NM_001282206.2); c.463C>T, p.Arg155Trp (NM_001282207.2); c.*66C>T (NM_001282208.2); c.*50C>T (NM_001282209.2); c.430C>T, p.Arg144Trp (NM_147157.3); c.446-141C>T (NM_001282205.2); short protein forms R175W, R75W, R144W, R155W.
Identifiers: ClinVar variation 1385758 (VCV001385758.8), dbSNP rs780073328, ClinGen allele CA5035845.